The following is an entry in ClinVar:

ClinVar aggregate classification (germline): Conflicting classifications of pathogenicity. Review status: criteria provided, conflicting classifications (1 of 4 stars). 3 submissions from 3 submitters: Uncertain significance (2); Likely benign (1). Last evaluated 2026-03-05.

Conditions:
Hereditary cancer-predisposing syndrome. Also called: Neoplastic Syndromes, Hereditary; Hereditary neoplastic syndrome; Tumor predisposition; Hereditary Cancer Syndrome. Identifiers: Orphanet 140162, MedGen C0027672, MeSH D009386, MONDO:0015356.
BAP1-related tumor predisposition syndrome (TPDS1). Also called: COMMON Syndrome; BAP1 tumor predisposition syndrome; Tumor susceptibility linked to germline BAP1 mutations; TUMOR PREDISPOSITION SYNDROME 1. Identifiers: Orphanet 289539, MedGen C3280492, MONDO:0013692, OMIM 614327.

Allele frequency attached by ClinVar (database versions not stated): gnomAD exomes below 0.00001.
gnomAD v4.1: 5 of 1,613,934 alleles (0.00031%); highest among the groups gnomAD compares: Non-Finnish European, 0.00042%; no homozygotes.

Submissions (3):

Ambry Genetics
Classification: Likely benign for Hereditary cancer-predisposing syndrome. Last evaluated: 2026-03-05. Review status: criteria provided, single submitter. Criteria: Ambry Variant Classification Scheme 2023. Collection method: clinical testing. Allele origin: germline.

Labcorp Genetics (formerly Invitae), Labcorp
Classification: Uncertain significance for BAP1-related tumor predisposition syndrome. Last evaluated: 2025-06-06. Review status: criteria provided, single submitter. Criteria: Invitae Variant Classification Sherloc (09022015). Collection method: clinical testing. Allele origin: germline.
Comment: This sequence change replaces cysteine, which is neutral and slightly polar, with arginine, which is basic and polar, at codon 638 of the BAP1 protein (p.Cys638Arg). This variant is not present in population databases (gnomAD no frequency). This variant has not been reported in the literature in individuals affected with BAP1-related conditions. ClinVar contains an entry for this variant (Variation ID: 642497). Invitae Evidence Modeling of protein sequence and biophysical properties (such as structural, functional, and spatial information, amino acid conservation, physicochemical variation, residue mobility, and thermodynamic stability) indicates that this missense variant is not expected to disrupt BAP1 protein function with a negative predictive value of 80%. In summary, the available evidence is currently insufficient to determine the role of this variant in disease. Therefore, it has been classified as a Variant of Uncertain Significance.

Color Diagnostics, LLC DBA Color Health
Classification: Uncertain significance for Hereditary cancer-predisposing syndrome. Last evaluated: 2024-03-06. Review status: criteria provided, single submitter. Criteria: ACMG Guidelines, 2015. Collection method: clinical testing. Allele origin: germline.
Comment: This missense variant replaces cysteine with arginine at codon 638 of the BAP1 protein. Computational prediction tool suggests that this variant may not impact protein structure and function (internally defined REVEL score threshold <=0.5, PMID: 27666373). Splice site prediction tools suggest that this variant may not impact RNA splicing. To our knowledge, functional studies have not been performed for this variant. This variant has not been reported in individuals affected with hereditary cancer in the literature. This variant has not been identified in the general population by the Genome Aggregation Database (gnomAD). The available evidence is insufficient to determine the role of this variant in disease conclusively. Therefore, this variant is classified as a Variant of Uncertain Significance.

Literature cited by the submitters: PubMed 38969833 (cited by Ambry Genetics).

NM_004656.4(BAP1):c.1912T>C (p.Cys638Arg)

Gene: BAP1 (BRCA1 associated deubiquitinase 1; minus strand). Cytogenetic location: 3p21.1.
Variant type: single nucleotide variant.
Coding change: c.1912T>C on transcript NM_004656.4 (MANE Select); coding-DNA position 1912, T replaced by C.
Protein change: p.Cys638Arg; replaces cysteine 638 with arginine.
Molecular consequence: missense variant.
Genome position (GRCh38, 1-based): chr3:52,402,850, A>G on the plus strand (T>C on the coding strand, the complement: BAP1 is on the minus strand). VCF-style: chr3-52402850-A-G. GRCh37 (hg19) VCF-style: chr3-52436866-A-G.
Other names: short protein forms C638R.
Identifiers: ClinVar variation 642497 (VCV000642497.16), dbSNP rs1578219121, ClinGen allele CA353096846.